The following is an entry in ClinVar:

ClinVar aggregate classification (germline): Uncertain significance (1 of 4 stars; one submission).

Conditions:
Cortical dysplasia-focal epilepsy syndrome (PTHSL1). Also called: Pitt-Hopkins-like syndrome 1. Identifiers: Orphanet 163681, Orphanet 221150, MedGen C2750246, MONDO:0012400, OMIM 610042.

Allele frequency attached by ClinVar (database versions not stated): gnomAD exomes below 0.00001 and 0.00001; TOPMed below 0.00001.
gnomAD v4.1: 4 of 1,614,098 alleles (0.00025%); highest among the groups gnomAD compares: Non-Finnish European, 0.00034%; no homozygotes.

Submission:

Labcorp Genetics (formerly Invitae), Labcorp
Classification: Uncertain significance for Cortical dysplasia-focal epilepsy syndrome. Last evaluated: 2025-06-02. Review status: criteria provided, single submitter. Criteria: Invitae Variant Classification Sherloc (09022015). Collection method: clinical testing. Allele origin: germline.
Comment: This sequence change replaces proline, which is neutral and non-polar, with threonine, which is neutral and polar, at codon 874 of the CNTNAP2 protein (p.Pro874Thr). This variant is present in population databases (no rsID available, gnomAD 0.0009%). This variant has not been reported in the literature in individuals affected with CNTNAP2-related conditions. ClinVar contains an entry for this variant (Variation ID: 1474743). An algorithm developed to predict the effect of missense changes on protein structure and function (PolyPhen-2) suggests that this variant is likely to be disruptive. In summary, the available evidence is currently insufficient to determine the role of this variant in disease. Therefore, it has been classified as a Variant of Uncertain Significance.

NM_014141.6(CNTNAP2):c.2620C>A (p.Pro874Thr)

Gene: CNTNAP2 (contactin associated protein 2; plus strand). Cytogenetic location: 7q35.
Variant type: single nucleotide variant.
Coding change: c.2620C>A on transcript NM_014141.6 (MANE Select); coding-DNA position 2620, C replaced by A.
Protein change: p.Pro874Thr; replaces proline 874 with threonine.
Molecular consequence: missense variant.
Genome position (GRCh38, 1-based): chr7:148,147,556, C>A. VCF-style: chr7-148147556-C-A. GRCh37 (hg19) VCF-style: chr7-147844648-C-A.
Other names: short protein forms P874T.
Identifiers: ClinVar variation 1474743 (VCV001474743.7), dbSNP rs1282340226, ClinGen allele CA369927961.
Genomic context (GRCh38, chr7:148,147,556, plus strand): 5'-ACAGAAGTGTCCTTTTCATTTGATGTGGGAAATGGGCCAGTAGAGATTGTAGTGAGGTCA[C>A]CAACCCCTCTCAACGATGACCAGTGGCACCGGGTCACTGCAGAGAGGAATGTCAAGCAGG-3'
Protein context (NP_054860.1, residues 864-884): NGPVEIVVRS[Pro874Thr]TPLNDDQWHR